The following is an entry in ClinVar:

NM_153252.5(BRWD3):c.4548_4549delinsAT (p.Asp1516_Gly1517delinsGluTrp)

Gene: BRWD3 (bromodomain and WD repeat domain containing 3; minus strand). Cytogenetic location: Xq21.1.
Variant type: Indel.
Coding change: c.4548_4549delinsAT on transcript NM_153252.5 (MANE Select); coding-DNA positions 4548 to 4549, TG replaced by AT.
Protein change: p.Asp1516_Gly1517delinsGluTrp.
Molecular consequence: missense variant.
Genome position (GRCh38, 1-based): chrX:80,681,446-80,681,447, CA replaced by AT on the plus strand (TG replaced by AT on the coding strand, the reverse complement: BRWD3 is on the minus strand). VCF-style: chrX-80681446-CA-AT. GRCh37 (hg19) VCF-style: chrX-79936945-CA-AT.
Other names: c.4398_4399delinsAT, p.Asp1466_Gly1467delinsGluTrp (NM_001441339.1).
Identifiers: ClinVar variation 5009298 (VCV005009298.1).

ClinVar aggregate classification (germline): Uncertain significance (1 of 4 stars; one submission).

Submission:

GeneDx
Classification: Uncertain significance. Last evaluated: 2026-03-16. Review status: criteria provided, single submitter. Criteria: GeneDx Variant Classification Process June 2021. Collection method: clinical testing. Allele origin: germline.
Comment: Not observed at significant frequency in large population cohorts (gnomAD); Has not been previously published as pathogenic or benign to our knowledge; In silico analysis suggests that this variant does not alter protein structure/function; In-frame deletion of 2 amino acid(s) and insertion of 2 different amino acid(s) in a non-repeat region; In silico analysis is inconclusive as to whether the variant alters gene splicing. In the absence of RNA/functional studies, the actual effect of this sequence change is unknown.